The following is an entry in ClinVar:

NM_000260.4(MYO7A):c.4445C>T (p.Pro1482Leu)

Gene: MYO7A (myosin VIIA; plus strand). Cytogenetic location: 11q13.5.
Variant type: single nucleotide variant.
Coding change: c.4445C>T on transcript NM_000260.4 (MANE Select); coding-DNA position 4445, C replaced by T.
Protein change: p.Pro1482Leu; replaces proline 1482 with leucine.
Molecular consequence: missense variant.
Genome position (GRCh38, 1-based): chr11:77,198,498, C>T. VCF-style: chr11-77198498-C-T. GRCh37 (hg19) VCF-style: chr11-76909543-C-T.
Other names: c.4445C>T, p.Pro1482Leu (NM_001127180.2); c.4412C>T, p.Pro1471Leu (NM_001369365.1); short protein forms P1482L, P1471L.
Identifiers: ClinVar variation 934346 (VCV000934346.11), dbSNP rs1264130915, ClinGen allele CA381950210.
Genomic context (GRCh38, chr11:77,198,498, plus strand): 5'-GAAGGGCTGGGCCTGGGTGTGGGAGGCCTGCCTCTCAGTGCCTTGGTCTCGTCCCAGGCC[C>T]CAGTCTCCCCAAGAACGACGTCATCGTGGCCGTCAACTGGACGGGTGTGTACTTTGTGGA-3'
Protein context (NP_000251.3, residues 1472-1492): RFYEAYKFSG[Pro1482Leu]SLPKNDVIVA

ClinVar aggregate classification (germline): Uncertain significance. Review status: criteria provided, single submitter (1 of 4 stars). 2 submissions from 2 submitters: Uncertain significance (1). 1 of the submissions does not count toward it. Last evaluated 2023-11-13.

Conditions:
Usher syndrome type 1B (USH1B). Also called: Usher syndrome type IB. Identifiers: MedGen C1848638, MONDO:0700087.

Allele frequency attached by ClinVar (database versions not stated): gnomAD exomes below 0.00001; gnomAD 0.00001; TOPMed 0.00001.
gnomAD v4.1: 5 of 1,613,558 alleles (0.00031%); highest among the groups gnomAD compares: Admixed American, 0.0017%; no homozygotes.

Submissions (2):

Labcorp Genetics (formerly Invitae), Labcorp
Classification: Uncertain significance. Last evaluated: 2023-11-13. Review status: criteria provided, single submitter. Criteria: Invitae Variant Classification Sherloc (09022015). Collection method: clinical testing. Allele origin: germline.
Comment: This sequence change replaces proline, which is neutral and non-polar, with leucine, which is neutral and non-polar, at codon 1482 of the MYO7A protein (p.Pro1482Leu). This variant is present in population databases (no rsID available, gnomAD 0.002%). This variant has not been reported in the literature in individuals affected with MYO7A-related conditions. ClinVar contains an entry for this variant (Variation ID: 934346). Advanced modeling of protein sequence and biophysical properties (such as structural, functional, and spatial information, amino acid conservation, physicochemical variation, residue mobility, and thermodynamic stability) performed at Invitae indicates that this missense variant is not expected to disrupt MYO7A protein function with a negative predictive value of 95%. In summary, the available evidence is currently insufficient to determine the role of this variant in disease. Therefore, it has been classified as a Variant of Uncertain Significance.

Natera, Inc.
Classification: Uncertain significance for Usher syndrome type 1B. Last evaluated: 2020-02-26. Review status: no assertion criteria provided. Collection method: clinical testing. Allele origin: germline. Not counted in ClinVar's aggregate classification.